The following is an entry in ClinVar:

ClinVar aggregate classification (germline): Uncertain significance (1 of 4 stars; one submission).

Conditions:
Hyperekplexia 3 (HKPX3). Also called: HYPEREKPLEXIA 3, AUTOSOMAL RECESSIVE; HYPEREKPLEXIA 3, AUTOSOMAL DOMINANT. Identifiers: Orphanet 3197, MedGen C3553288, MONDO:0013827, OMIM 614618.

Allele frequency attached by ClinVar (database versions not stated): gnomAD exomes 0.00001.

Submission:

Labcorp Genetics (formerly Invitae), Labcorp
Classification: Uncertain significance for Hyperekplexia 3. Last evaluated: 2022-03-12. Review status: criteria provided, single submitter. Criteria: Invitae Variant Classification Sherloc (09022015). Collection method: clinical testing. Allele origin: germline.
Comment: In summary, the available evidence is currently insufficient to determine the role of this variant in disease. Therefore, it has been classified as a Variant of Uncertain Significance. Advanced modeling of protein sequence and biophysical properties (such as structural, functional, and spatial information, amino acid conservation, physicochemical variation, residue mobility, and thermodynamic stability) performed at Invitae indicates that this missense variant is not expected to disrupt SLC6A5 protein function. This variant has not been reported in the literature in individuals affected with SLC6A5-related conditions. This variant is not present in population databases (gnomAD no frequency). This sequence change replaces leucine, which is neutral and non-polar, with arginine, which is basic and polar, at codon 118 of the SLC6A5 protein (p.Leu118Arg).

NM_004211.5(SLC6A5):c.353T>G (p.Leu118Arg)

Gene: SLC6A5 (solute carrier family 6 member 5; plus strand). Cytogenetic location: 11p15.1.
Variant type: single nucleotide variant.
Coding change: c.353T>G on transcript NM_004211.5 (MANE Select); coding-DNA position 353, T replaced by G.
Protein change: p.Leu118Arg; replaces leucine 118 with arginine.
Molecular consequence: missense variant. On other transcripts: 5 prime UTR variant (1).
Genome position (GRCh38, 1-based): chr11:20,601,478, T>G. VCF-style: chr11-20601478-T-G. GRCh37 (hg19) VCF-style: chr11-20623024-T-G.
Other names: c.-211T>G (NM_001318369.2); short protein forms L118R.
Identifiers: ClinVar variation 1985476 (VCV001985476.4), dbSNP rs2494093523, ClinGen allele CA379912026.
Genomic context (GRCh38, chr11:20,601,478, plus strand): 5'-GAGAGGCGCAAGGCGCGCAGGCCTCGCCCCCTCCCGGGAGCTCCGGGCCCGGCAACGCGC[T>G]GCACTGTAAGATCCCTTTTCTGCGAGGCCCGGAGGGGGATGCGAACGTGAGTGTGGGCAA-3'
Protein context (NP_004202.4, residues 108-128): PPGSSGPGNA[Leu118Arg]HCKIPFLRGP